The following is an entry in ClinVar:

NM_017696.3(MCM9):c.304+1G>A

Gene: MCM9 (minichromosome maintenance 9 homologous recombination repair factor; minus strand). Cytogenetic location: 6q22.31.
Variant type: single nucleotide variant.
Coding change: c.304+1G>A on transcript NM_017696.3 (MANE Select); the canonical splice donor site of the intron after coding-DNA position 304, G replaced by A.
Molecular consequence: splice donor variant.
Genome position (GRCh38, 1-based): chr6:118,931,419, C>T on the plus strand (G>A on the coding strand, the complement: MCM9 is on the minus strand). VCF-style: chr6-118931419-C-T. GRCh37 (hg19) VCF-style: chr6-119252584-C-T.
Other names: c.304+1G>A (NM_001378366.1, NM_001378364.1, NM_001378360.1 and 9 more transcripts); c.15+1G>A (NM_001378367.1, NM_001378370.1, NM_001378362.1 and 3 more transcripts).
Identifiers: ClinVar variation 2443172 (VCV002443172.2), dbSNP rs2534754715, ClinGen allele CA365467706.

ClinVar aggregate classification (germline): Likely pathogenic (0 of 4 stars; one submission).

Submission:

Genetic Services Laboratory, University of Chicago
Classification: Likely pathogenic. Last evaluated: 2022-02-15. Review status: no assertion criteria provided. Collection method: clinical testing. Allele origin: germline. Affected: yes.
Comment: DNA sequence analysis of the MCM9 gene demonstrated a sequence change in the canonical splice donor site of intron 2, c.304+1G>A. This sequence change does not appear to have been previously described in individuals with MCM9-related disorders and has also not been described in the population databases such as ExAC and gnomAD. This sequence change is predicted to affect normal splicing of the MCM9 gene and result in an abnormal protein. This sequence change is the likely pathogenic, however functional studies have not been performed to prove this conclusively.